The following is an entry in ClinVar:

NM_005148.4(UNC119):c.680T>G (p.Val227Gly)

Gene: UNC119 (unc-119 lipid binding chaperone; minus strand). Cytogenetic location: 17q11.2.
Variant type: single nucleotide variant.
Coding change: c.680T>G on transcript NM_005148.4 (MANE Select); coding-DNA position 680, T replaced by G.
Protein change: p.Val227Gly; replaces valine 227 with glycine.
Molecular consequence: missense variant. On other transcripts: 3 prime UTR variant (1).
Genome position (GRCh38, 1-based): chr17:28,547,340, A>C on the plus strand (T>G on the coding strand, the complement: UNC119 is on the minus strand). VCF-style: chr17-28547340-A-C. GRCh37 (hg19) VCF-style: chr17-26874358-A-C.
Other names: c.395T>G, p.Val132Gly (NM_001330166.2); c.*284T>G (NM_054035.2); short protein forms V132G, V227G.
Identifiers: ClinVar variation 1407792 (VCV001407792.6), dbSNP rs750759432, ClinGen allele CA8459694.

ClinVar aggregate classification (germline): Uncertain significance (1 of 4 stars; one submission).

Allele frequency attached by ClinVar (database versions not stated): ExAC 0.00046.

Submission:

Labcorp Genetics (formerly Invitae), Labcorp
Classification: Uncertain significance. Last evaluated: 2025-10-26. Review status: criteria provided, single submitter. Criteria: Invitae Variant Classification Sherloc (09022015). Collection method: clinical testing. Allele origin: germline.
Comment: This sequence change replaces valine, which is neutral and non-polar, with glycine, which is neutral and non-polar, at codon 227 of the UNC119 protein (p.Val227Gly). The frequency data for this variant in the population databases is considered unreliable, as metrics indicate poor data quality at this position in the gnomAD database. This variant has not been reported in the literature in individuals affected with UNC119-related conditions. ClinVar contains an entry for this variant (Variation ID: 1407792). An algorithm developed to predict the effect of missense changes on protein structure and function (PolyPhen-2) suggests that this variant is likely to be disruptive. In summary, the available evidence is currently insufficient to determine the role of this variant in disease. Therefore, it has been classified as a Variant of Uncertain Significance.